The following is an entry in ClinVar:

ClinVar aggregate classification (germline): Uncertain significance (1 of 4 stars; one submission).

Conditions:
Aicardi-Goutieres syndrome 7 (AGS7). Identifiers: Orphanet 51, MedGen C3888244, MONDO:0014367, OMIM 615846.
Singleton-Merten syndrome 1 (SGMRT1). Also called: Widened medullary cavities of bone, aortic calcification, abnormal dentition, and muscular weakness; Syndrome of widened medullary cavities of the metacarpals and phalanges, aortic calcification and abnormal dentition. Identifiers: Orphanet 85191, MedGen C4225427, MONDO:0024535, OMIM 182250.

Allele frequency attached by ClinVar (database versions not stated): gnomAD 0.00001; TOPMed below 0.00001; gnomAD exomes 0.00001.
gnomAD v4.1: 6 of 1,610,116 alleles (0.00037%); highest among the groups gnomAD compares: Middle Eastern, 0.017%; no homozygotes.

Submission:

Labcorp Genetics (formerly Invitae), Labcorp
Classification: Uncertain significance for Aicardi-Goutieres syndrome 7; Singleton-Merten syndrome 1. Last evaluated: 2025-01-27. Review status: criteria provided, single submitter. Criteria: Invitae Variant Classification Sherloc (09022015). Collection method: clinical testing. Allele origin: germline.
Comment: This sequence change replaces lysine, which is basic and polar, with asparagine, which is neutral and polar, at codon 137 of the IFIH1 protein (p.Lys137Asn). This variant is present in population databases (no rsID available, gnomAD 0.002%). This variant has not been reported in the literature in individuals affected with IFIH1-related conditions. ClinVar contains an entry for this variant (Variation ID: 1387953). Invitae Evidence Modeling of protein sequence and biophysical properties (such as structural, functional, and spatial information, amino acid conservation, physicochemical variation, residue mobility, and thermodynamic stability) has been performed for this missense variant. However, the output from this modeling did not meet the statistical confidence thresholds required to predict the impact of this variant on IFIH1 protein function. In summary, the available evidence is currently insufficient to determine the role of this variant in disease. Therefore, it has been classified as a Variant of Uncertain Significance.

NM_022168.4(IFIH1):c.411G>C (p.Lys137Asn)

Gene: IFIH1 (interferon induced with helicase C domain 1; minus strand). Cytogenetic location: 2q24.2.
Variant type: single nucleotide variant.
Coding change: c.411G>C on transcript NM_022168.4 (MANE Select); coding-DNA position 411, G replaced by C.
Protein change: p.Lys137Asn; replaces lysine 137 with asparagine.
Molecular consequence: missense variant.
Genome position (GRCh38, 1-based): chr2:162,317,897, C>G on the plus strand (G>C on the coding strand, the complement: IFIH1 is on the minus strand). VCF-style: chr2-162317897-C-G. GRCh37 (hg19) VCF-style: chr2-163174407-C-G.
Other names: short protein forms K137N.
Identifiers: ClinVar variation 1387953 (VCV001387953.8), dbSNP rs1257535402, ClinGen allele CA349013385.